The following is an entry in ClinVar:

NM_000059.4(BRCA2):c.3919del (p.Glu1307fs)

Gene: BRCA2 (BRCA2 DNA repair associated; plus strand). Cytogenetic location: 13q13.1.
Variant type: Deletion.
Coding change: c.3919del on transcript NM_000059.4 (MANE Select); coding-DNA position 3919, one base deleted (G; older notation c.3919delG).
Protein change: p.Glu1307fs; shifts the reading frame from glutamic acid 1307.
Molecular consequence: frameshift variant.
Genome position (GRCh38, 1-based): chr13:32,338,274, G deleted. VCF-style (leftmost placement, unchanged base first): chr13-32338273-TG-T. GRCh37 (hg19) VCF-style: chr13-32912410-TG-T.
Other names: 4147delG; c.3919delG (NM_000059.3).
Identifiers: ClinVar variation 51564 (VCV000051564.5), dbSNP rs80359416, ClinGen allele CA019184.

ClinVar aggregate classification (germline): Pathogenic. Review status: reviewed by expert panel (3 of 4 stars). 4 submissions from 4 submitters: Pathogenic (1). 3 of the submissions do not count toward it. Last evaluated 2016-09-08.

Conditions:
Hereditary breast ovarian cancer syndrome. Also called: Hereditary breast and ovarian cancer syndrome; Hereditary breast and ovarian cancer; Hereditary breast and ovarian cancer syndrome (HBOC); Breast and ovarian cancer; Hereditary breast and/or ovarian cancer syndrome; BRCA1- and BRCA2-Associated Hereditary Breast and Ovarian Cancer. Identifiers: Orphanet 145, MedGen C0677776, MeSH D061325, MONDO:0003582. Disease mechanism: loss of function.
Breast-ovarian cancer, familial, susceptibility to, 2 (BROVCA2). Also called: BRCA2 Hereditary Breast and Ovarian Cancer. Identifiers: Orphanet 145, MedGen C2675520, MONDO:0012933, OMIM 612555. Disease mechanism: loss of function.

Submissions (4):

Evidence-based Network for the Interpretation of Germline Mutant Alleles (ENIGMA)
Classification: Pathogenic for Breast-ovarian cancer, familial, susceptibility to, 2. Last evaluated: 2016-09-08. Review status: reviewed by expert panel. Criteria: ENIGMA BRCA1/2 Classification Criteria (2015). Collection method: curation. Allele origin: germline.
Comment: Variant allele predicted to encode a truncated non-functional protein.

Consortium of Investigators of Modifiers of BRCA1/2 (CIMBA), c/o University of Cambridge
Classification: Pathogenic for Breast-ovarian cancer, familial, susceptibility to, 2. Last evaluated: 2015-10-02. Review status: criteria provided, single submitter. Criteria: CIMBA Mutation Classification guidelines May 2016. Collection method: clinical testing. Allele origin: germline. Not counted in ClinVar's aggregate classification.

Research Molecular Genetics Laboratory, Women's College Hospital, University of Toronto
Classification: Pathogenic for Hereditary breast ovarian cancer syndrome. Last evaluated: 2014-01-31. Review status: no assertion criteria provided. Collection method: research. Allele origin: germline. Affected: yes. Study: The Canadian Open Genetics Repository (COGR). Not counted in ClinVar's aggregate classification.

Breast Cancer Information Core (BIC) (BRCA2)
Classification: Pathogenic for Breast-ovarian cancer, familial 2. Last evaluated: 2002-05-29. Review status: no assertion criteria provided. Collection method: clinical testing. Allele origin: germline. Affected: yes. Observed: 1 variant allele. Not counted in ClinVar's aggregate classification.